The following is an entry in ClinVar:

NM_172095.4(CATSPER2):c.1152G>A (p.Thr384=)

Gene: CATSPER2 (cation channel sperm associated 2; minus strand). Cytogenetic location: 15q15.3.
Variant type: single nucleotide variant.
Coding change: c.1152G>A on transcript NM_172095.4 (MANE Select); coding-DNA position 1152, G replaced by A.
Protein change: p.Thr384=; no amino-acid change (threonine 384 retained).
Molecular consequence: synonymous variant. On other transcripts: non-coding transcript variant (2).
Genome position (GRCh38, 1-based): chr15:43,635,386, C>T on the plus strand (G>A on the coding strand, the complement: CATSPER2 is on the minus strand). VCF-style: chr15-43635386-C-T. GRCh37 (hg19) VCF-style: chr15-43927584-C-T.
Other names: c.1152G>A, p.Thr384= (NM_001282309.3); c.1170G>A, p.Thr390= (NM_001282310.2).
Identifiers: ClinVar variation 4280825 (VCV004280825.8).

ClinVar aggregate classification (germline): Likely benign. Review status: criteria provided, multiple submitters, no conflicts (2 of 4 stars). 2 submissions from 2 submitters: Likely benign (2). Last evaluated 2025-09-01.

Submissions (2):

CeGaT Center for Human Genetics Tuebingen
Classification: Likely benign. Last evaluated: 2025-09-01. Review status: criteria provided, single submitter. Criteria: CeGaT Center For Human Genetics Tuebingen Variant Classification Criteria Version 2. Collection method: clinical testing. Allele origin: germline. Affected: yes. Observed: 1 variant allele.
Comment: CATSPER2: BP4, BP7

Blueprint Genetics
Classification: Likely benign. Last evaluated: 2024-11-19. Review status: criteria provided, single submitter. Criteria: ACMG Guidelines, 2015. Collection method: clinical testing. Allele origin: germline.